The following is an entry in ClinVar:

NM_032578.4(MYPN):c.2177T>A (p.Phe726Tyr)

Gene: MYPN (myopalladin; plus strand). Cytogenetic location: 10q21.3.
Variant type: single nucleotide variant.
Coding change: c.2177T>A on transcript NM_032578.4 (MANE Select); coding-DNA position 2177, T replaced by A.
Protein change: p.Phe726Tyr; replaces phenylalanine 726 with tyrosine.
Molecular consequence: missense variant. On other transcripts: non-coding transcript variant (2).
Genome position (GRCh38, 1-based): chr10:68,174,269, T>A. VCF-style: chr10-68174269-T-A. GRCh37 (hg19) VCF-style: chr10-69934026-T-A.
Other names: p.F726Y:TTC>TAC; c.2177T>A, p.Phe726Tyr (NM_001256267.2); c.1295T>A, p.Phe432Tyr (NM_001256268.2); short protein forms F726Y, F432Y.
Identifiers: ClinVar variation 201887 (VCV000201887.2), dbSNP rs794729073, ClinGen allele CA335310.
Genomic context (GRCh38, chr10:68,174,269, plus strand): 5'-CCAGTAAGCAGGTGAAGGCTCCTTCATCACAGACGTTCAGCTTGGCCCGGCCGAAGTATT[T>A]CTTCCCCTCCACGAACACCACCGCAGCAACTGTGGCCCCTTCCAGCTCTCCGGTGTTCAC-3'
Protein context (NP_115967.2, residues 716-736): QTFSLARPKY[Phe726Tyr]FPSTNTTAAT

ClinVar aggregate classification (germline): Uncertain significance (1 of 4 stars; one submission).

Submission:

GeneDx
Classification: Uncertain significance. Last evaluated: 2014-05-21. Review status: criteria provided, single submitter. Criteria: GeneDx Variant Classification (06012015). Collection method: clinical testing. Allele origin: germline. Affected: yes.
Comment: This variant is denoted p.Phe726Tyr (TTC>TAC): c.2177 T>A in exon 11 of the MYPN gene (NM_032578.3). Mutations in the MYPN gene have been reported previously in association with familial cardiomyopathy (Duboscq-Bidot L et al., 2008; Purevjav E at al., 2012; Meyer T et al., 2013). The prevalence of MYPN mutations in familial cardiomyopathy is currently unknown. The F726Y variant has not been published as a mutation or as a benign polymorphism to our knowledge. The F726Y variant was not observed in approximately 6,500 individuals of European and African American ancestry in the NHLBI Exome Sequencing Project, indicating it is not a common benign variant in these populations. In addition, the F726Y variant is a non-conservative amino acid substitution, which is likely to impact secondary protein structure as these residues differ in polarity, charge, size and/or other properties. This substitution occurs at a position that is conserved in mammals. Furthermore, in silico analysis predicts this variant is probably damaging to the protein structure/function. However, no missense mutations in nearby residues have been reported in association with cardiomyopathy, indicating this region of the protein may be tolerant of change. Therefore, based on the currently available information, it is unclear whether this variant is a pathogenic mutation or a rare benign variant. The variant is found in CARDIOMYOPATHY panel(s).